The following is an entry in ClinVar:

ClinVar aggregate classification (germline): Conflicting classifications of pathogenicity. Review status: criteria provided, conflicting classifications (1 of 4 stars). 3 submissions from 3 submitters: Uncertain significance (2); Likely benign (1). Last evaluated 2023-04-19.

Allele frequency attached by ClinVar (database versions not stated): gnomAD below 0.00001 and 0.00003; TOPMed 0.00001; gnomAD exomes 0.00010; ExAC 0.00011; 1000 Genomes Project 0.00020; 1000 Genomes Project 30x 0.00031.
gnomAD v4.1: 95 of 1,613,470 alleles (0.0059%); highest among the groups gnomAD compares: South Asian, 0.069%; 1 homozygote.

Submissions (3):

Ambry Genetics
Classification: Likely benign. Last evaluated: 2023-04-19. Review status: criteria provided, single submitter. Criteria: Ambry Variant Classification Scheme 2023. Collection method: clinical testing. Allele origin: germline.

Labcorp Genetics (formerly Invitae), Labcorp
Classification: Uncertain significance. Last evaluated: 2022-09-19. Review status: criteria provided, single submitter. Criteria: Invitae Variant Classification Sherloc (09022015). Collection method: clinical testing. Allele origin: germline.
Comment: In summary, the available evidence is currently insufficient to determine the role of this variant in disease. Therefore, it has been classified as a Variant of Uncertain Significance. Algorithms developed to predict the effect of missense changes on protein structure and function output the following: SIFT: "Tolerated"; PolyPhen-2: "Benign"; Align-GVGD: "Class C0". The cysteine amino acid residue is found in multiple mammalian species, which suggests that this missense change does not adversely affect protein function. ClinVar contains an entry for this variant (Variation ID: 211259). This variant has not been reported in the literature in individuals affected with KIF1BP-related conditions. This variant is present in population databases (rs200098813, gnomAD 0.06%). This sequence change replaces arginine, which is basic and polar, with cysteine, which is neutral and slightly polar, at codon 186 of the KIF1BP protein (p.Arg186Cys).

Genetic Services Laboratory, University of Chicago
Classification: Uncertain significance. Last evaluated: 2015-05-21. Review status: criteria provided, single submitter. Criteria: ACMG Guidelines, 2015. Collection method: clinical testing. Allele origin: germline.

NM_015634.4(KIFBP):c.556C>T (p.Arg186Cys)

Gene: KIFBP (kinesin family binding protein; plus strand). Cytogenetic location: 10q22.1.
Variant type: single nucleotide variant.
Coding change: c.556C>T on transcript NM_015634.4 (MANE Select); coding-DNA position 556, C replaced by T.
Protein change: p.Arg186Cys; replaces arginine 186 with cysteine.
Molecular consequence: missense variant.
Genome position (GRCh38, 1-based): chr10:69,005,076, C>T. VCF-style: chr10-69005076-C-T. GRCh37 (hg19) VCF-style: chr10-70764832-C-T.
Other names: short protein forms R186C.
Identifiers: ClinVar variation 211259 (VCV000211259.16), dbSNP rs200098813, ClinGen allele CA205635.